The following is an entry in ClinVar:

NM_001349253.2(SCN11A):c.168A>G (p.Leu56=)

Gene: SCN11A (sodium voltage-gated channel alpha subunit 11; minus strand). Cytogenetic location: 3p22.2.
Variant type: single nucleotide variant.
Coding change: c.168A>G on transcript NM_001349253.2 (MANE Select); coding-DNA position 168, A replaced by G.
Protein change: p.Leu56=; no amino-acid change (leucine 56 retained).
Molecular consequence: synonymous variant.
Genome position (GRCh38, 1-based): chr3:38,950,195, T>C on the plus strand (A>G on the coding strand, the complement: SCN11A is on the minus strand). VCF-style: chr3-38950195-T-C. GRCh37 (hg19) VCF-style: chr3-38991686-T-C.
Other names: c.168A>G, p.Leu56= (NM_014139.3); c.168A>G (NM_014139.2).
Identifiers: ClinVar variation 1094984 (VCV001094984.16), dbSNP rs759894698, ClinGen allele CA2322760.

ClinVar aggregate classification (germline): Likely benign. Review status: criteria provided, multiple submitters, no conflicts (2 of 4 stars). 3 submissions from 3 submitters: Likely benign (3). Last evaluated 2026-03-26.

Conditions:
Familial episodic pain syndrome with predominantly lower limb involvement. Also called: Episodic pain syndrome, familial, 3. Identifiers: Orphanet 391384, Orphanet 391392, MedGen C3809899, MONDO:0014247, OMIM 615552.
Hereditary sensory and autonomic neuropathy type 7. Also called: Neuropathy, hereditary sensory and autonomic, type VII; HSAN VII. Identifiers: Orphanet 391397, MedGen C3809882, MONDO:0014244, OMIM 615548.
SCN11A-related disorder. Also called: SCN11A-related condition.

Allele frequency attached by ClinVar (database versions not stated): gnomAD exomes 0.00002 and 0.00006; ExAC 0.00003; gnomAD 0.00014 and 0.00015; TOPMed 0.00019.
gnomAD v4.1: 58 of 1,613,686 alleles (0.0036%); highest among the groups gnomAD compares: Admixed American, 0.055%; no homozygotes.

Submissions (3):

PreventionGenetics, part of Exact Sciences
Classification: Likely benign for SCN11A-related condition. Last evaluated: 2026-03-26. Review status: criteria provided, single submitter. Criteria: ACMG Guidelines, 2015. Collection method: clinical testing. Allele origin: germline.
Comment: This variant is classified as likely benign based on ACMG/AMP sequence variant interpretation guidelines (Richards et al. 2015 PMID: 25741868, with internal and published modifications).

CeGaT Center for Human Genetics Tuebingen
Classification: Likely benign. Last evaluated: 2025-08-01. Review status: criteria provided, single submitter. Criteria: CeGaT Center For Human Genetics Tuebingen Variant Classification Criteria Version 2. Collection method: clinical testing. Allele origin: germline. Affected: yes. Observed: 1 variant allele.
Comment: SCN11A: BP4, BP7

Labcorp Genetics (formerly Invitae), Labcorp
Classification: Likely benign for Familial episodic pain syndrome with predominantly lower limb involvement; Hereditary sensory and autonomic neuropathy type 7. Last evaluated: 2024-04-25. Review status: criteria provided, single submitter. Criteria: Invitae Variant Classification Sherloc (09022015). Collection method: clinical testing. Allele origin: germline.